The following is an entry in ClinVar:

ClinVar aggregate classification (germline): Likely benign (1 of 4 stars; one submission).

Conditions:
Sessile serrated polyposis cancer syndrome (SSPCS). Identifiers: Orphanet 157798, MedGen C4310714, MONDO:0014919, OMIM 617108.

Submission:

Myriad Genetics, Inc.
Classification: Likely benign for Sessile serrated polyposis cancer syndrome. Last evaluated: 2026-06-26. Review status: criteria provided, single submitter. Criteria: Myriad Autosomal Dominant, Autosomal Recessive and X-Linked Classification Criteria (2023). Collection method: clinical testing. Allele origin: unknown.
Comment: This variant is considered likely benign. This variant is intronic and is not expected to impact mRNA splicing.

NM_017763.6(RNF43):c.451-15A>G

Gene: RNF43 (ring finger protein 43; minus strand). Cytogenetic location: 17q22.
Variant type: single nucleotide variant.
Coding change: c.451-15A>G on transcript NM_017763.6 (MANE Select); 15 bases into the intron before coding-DNA position 451, A replaced by G.
Molecular consequence: intron variant.
Genome position (GRCh38, 1-based): chr17:58,363,421, T>C on the plus strand (A>G on the coding strand, the complement: RNF43 is on the minus strand). VCF-style: chr17-58363421-T-C. GRCh37 (hg19) VCF-style: chr17-56440782-T-C.
Other names: c.451-15A>G (NM_001438822.1, NM_001305544.3, NM_001438820.1 and 1 more transcripts); c.70-15A>G (NM_001305545.2, NM_001437987.1).
Identifiers: ClinVar variation 4875743 (VCV004875743.1).